The following is an entry in ClinVar:

NM_003036.4(SKI):c.2060A>G (p.Asp687Gly)

Gene: SKI (SKI proto-oncogene; plus strand). Cytogenetic location: 1p36.32.
Variant type: single nucleotide variant.
Coding change: c.2060A>G on transcript NM_003036.4 (MANE Select); coding-DNA position 2060, A replaced by G.
Protein change: p.Asp687Gly; replaces aspartic acid 687 with glycine.
Molecular consequence: missense variant.
Genome position (GRCh38, 1-based): chr1:2,306,638, A>G. VCF-style: chr1-2306638-A-G. GRCh37 (hg19) VCF-style: chr1-2238077-A-G.
Other names: short protein forms D687G.
Identifiers: ClinVar variation 4529799 (VCV004529799.1).
Genomic context (GRCh38, chr1:2,306,638, plus strand): 5'-TCGAAGACCTGCAGGTGAAGCTGCAGCACGCGGAGGCGGACCGGGAGCAGCTGCGGGCCG[A>G]CCTGCTGCGGGAGCGCGAGGCCCGGGAGCACCTGGAGAAGGTGGTGAAGGAGCTGCAGGA-3'
Protein context (NP_003027.1, residues 677-697): AEADREQLRA[Asp687Gly]LLREREAREH

ClinVar aggregate classification (germline): Uncertain significance (1 of 4 stars; one submission).

gnomAD v4.1: 2 of 1,544,812 alleles (0.00013%); highest among the groups gnomAD compares: African/African-American, 0.0014%; no homozygotes.

Submission:

GeneDx
Classification: Uncertain significance. Last evaluated: 2025-05-13. Review status: criteria provided, single submitter. Criteria: GeneDx Variant Classification Process June 2021. Collection method: clinical testing. Allele origin: germline. Affected: yes.
Comment: Not observed at significant frequency in large population cohorts (gnomAD); In silico analysis supports that this missense variant has a deleterious effect on protein structure/function; Has not been previously published as pathogenic or benign to our knowledge